The following is an entry in ClinVar:

NM_004429.5(EFNB1):c.100C>G (p.Pro34Ala)

Gene: EFNB1 (ephrin B1; plus strand). Cytogenetic location: Xq13.1.
Variant type: single nucleotide variant.
Coding change: c.100C>G on transcript NM_004429.5 (MANE Select); coding-DNA position 100, C replaced by G.
Protein change: p.Pro34Ala; replaces proline 34 with alanine.
Molecular consequence: missense variant.
Genome position (GRCh38, 1-based): chrX:68,829,876, C>G. VCF-style: chrX-68829876-C-G. GRCh37 (hg19) VCF-style: chrX-68049719-C-G.
Other names: short protein forms P34A.
Identifiers: ClinVar variation 1302592 (VCV001302592.4), dbSNP rs1373344087, ClinGen allele CA413437177.

ClinVar aggregate classification (germline): Uncertain significance. Review status: criteria provided, multiple submitters, no conflicts (2 of 4 stars). 2 submissions from 2 submitters: Uncertain significance (2). Last evaluated 2024-06-26.

Allele frequency attached by ClinVar (database versions not stated): gnomAD exomes below 0.00001; TOPMed below 0.00001; gnomAD 0.00001.
gnomAD v4.1: 6 of 1,168,654 alleles (0.00051%); highest among the groups gnomAD compares: Non-Finnish European, 0.00057%; no homozygotes.

Submissions (2):

Labcorp Genetics (formerly Invitae), Labcorp
Classification: Uncertain significance. Last evaluated: 2024-06-26. Review status: criteria provided, single submitter. Criteria: Invitae Variant Classification Sherloc (09022015). Collection method: clinical testing. Allele origin: germline.
Comment: This sequence change replaces proline, which is neutral and non-polar, with alanine, which is neutral and non-polar, at codon 34 of the EFNB1 protein (p.Pro34Ala). This variant is not present in population databases (gnomAD no frequency). This variant has not been reported in the literature in individuals affected with EFNB1-related conditions. ClinVar contains an entry for this variant (Variation ID: 1302592). Advanced modeling of protein sequence and biophysical properties (such as structural, functional, and spatial information, amino acid conservation, physicochemical variation, residue mobility, and thermodynamic stability) performed at Invitae indicates that this missense variant is not expected to disrupt EFNB1 protein function with a negative predictive value of 80%. In summary, the available evidence is currently insufficient to determine the role of this variant in disease. Therefore, it has been classified as a Variant of Uncertain Significance.

GeneDx
Classification: Uncertain significance. Last evaluated: 2020-08-26. Review status: criteria provided, single submitter. Criteria: GeneDx Variant Classification Process June 2021. Collection method: clinical testing. Allele origin: germline. Affected: yes.
Comment: Not observed in large population cohorts (Lek et al., 2016); In silico analysis supports that this missense variant has a deleterious effect on protein structure/function